The following is an entry in ClinVar:

NM_001953.5(TYMP):c.972delinsTCAGGGCGGGGACTCAGGCT (p.Ala327fs)

Genes: SCO2 (synthesis of cytochrome C oxidase 2; minus strand), TYMP (thymidine phosphorylase; minus strand), LOC130067862 (ATAC-STARR-seq lymphoblastoid silent region 13986; plus strand). Cytogenetic location: 22q13.33.
Variant type: Indel.
Coding change: c.972delinsTCAGGGCGGGGACTCAGGCT on transcript NM_001953.5 (MANE Select); coding-DNA position 972, C replaced by TCAGGGCGGGGACTCAGGCT.
Protein change: p.Ala327fs; shifts the reading frame from alanine 327.
Molecular consequence: frameshift variant. On other transcripts: 5 prime UTR variant (1).
Genome position (GRCh38, 1-based): chr22:50,526,433, G replaced by AGCCTGAGTCCCCGCCCTGA on the plus strand (C replaced by TCAGGGCGGGGACTCAGGCT on the coding strand, the reverse complement: TYMP is on the minus strand). VCF-style: chr22-50526433-G-AGCCTGAGTCCCCGCCCTGA. GRCh37 (hg19) VCF-style: chr22-50964862-G-AGCCTGAGTCCCCGCCCTGA.
Other names: c.972delinsTCAGGGCGGGGACTCAGGCT, p.Ala327fs (NM_001113755.3, NM_001113756.3, NM_001257988.1 and 1 more transcripts); c.-201delinsTCAGGGCGGGGACTCAGGCT (NM_001169109.2); short protein forms A327fs.
Identifiers: ClinVar variation 4814993 (VCV004814993.1).

ClinVar aggregate classification (germline): Likely pathogenic (1 of 4 stars; one submission).

Conditions:
Mitochondrial neurogastrointestinal encephalomyopathy. Also called: Mitochondrial neurogastrointestinal encephalopathy syndrome; MNGIE syndrome; Thymidine phosphorylase deficiency. Identifiers: Orphanet 298, MedGen C0872218, MONDO:0017575.

Submission:

Natera, Inc.
Classification: Likely pathogenic for Mitochondrial neurogastrointestinal encephalomyopathy. Last evaluated: 2024-03-01. Review status: criteria provided, single submitter. Criteria: Natera Variant Classification Schema (03/2026). Collection method: clinical testing. Allele origin: germline.
Comment: The c.972delCinsTCAGGGCGGGGACTCAGGCT variant in TYMP is a frameshift variant predicted to elongate the protein beyond the termination codon. This variant is expected to result in nonsense mediated decay, truncation, or a dysfunctional protein product. This variant is rare in the general population with a frequency below the threshold expected for the associated phenotype(s). Given the available evidence, this variant is classified as Likely Pathogenic.